The following is an entry in ClinVar:

NM_152701.5(ABCA13):c.479A>G (p.Asn160Ser)

Gene: ABCA13 (ATP binding cassette subfamily A member 13; plus strand). Cytogenetic location: 7p12.3.
Variant type: single nucleotide variant.
Coding change: c.479A>G on transcript NM_152701.5 (MANE Select); coding-DNA position 479, A replaced by G.
Protein change: p.Asn160Ser; replaces asparagine 160 with serine.
Molecular consequence: missense variant.
Genome position (GRCh38, 1-based): chr7:48,227,272, A>G. VCF-style: chr7-48227272-A-G. GRCh37 (hg19) VCF-style: chr7-48266869-A-G.
Other names: c.479A>G (NM_152701.3); short protein forms N160S.
Identifiers: ClinVar variation 3040350 (VCV003040350.3), dbSNP rs200287381, ClinGen allele CA4256120.

ClinVar aggregate classification (germline): Uncertain significance. Review status: criteria provided, single submitter (1 of 4 stars). 2 submissions from 2 submitters: Uncertain significance (1). 1 of the submissions does not count toward it. Last evaluated 2021-08-13.

Conditions:
ABCA13-related disorder. Also called: ABCA13-related condition.

Allele frequency attached by ClinVar (database versions not stated): gnomAD exomes 0.00009; ExAC 0.00023; 1000 Genomes Project 30x 0.00078; 1000 Genomes Project 0.00080; gnomAD 0.00084; ESP Exome Variant Server 0.00085; TOPMed 0.00085.
gnomAD v4.1: 267 of 1,613,334 alleles (0.017%); highest among the groups gnomAD compares: African/African-American, 0.29%; 1 homozygote.

Submissions (2):

Ambry Genetics
Classification: Uncertain significance. Last evaluated: 2021-08-13. Review status: criteria provided, single submitter. Criteria: Ambry Variant Classification Scheme 2023. Collection method: clinical testing. Allele origin: germline.

PreventionGenetics, part of Exact Sciences
Classification: Likely benign for ABCA13-related condition. Last evaluated: 2022-04-28. Review status: no assertion criteria provided. Collection method: clinical testing. Allele origin: germline. Not counted in ClinVar's aggregate classification.
Comment: This variant is classified as likely benign based on ACMG/AMP sequence variant interpretation guidelines (Richards et al. 2015 PMID: 25741868, with internal and published modifications).